The following is an entry in ClinVar:

ClinVar aggregate classification (germline): Pathogenic. Review status: criteria provided, multiple submitters, no conflicts (2 of 4 stars). 2 submissions from 2 submitters: Pathogenic (2). Last evaluated 2024-08-12.

Conditions:
Breast-ovarian cancer, familial, susceptibility to, 1 (BROVCA1). Also called: BRCA1 Hereditary Breast and Ovarian Cancer; OVARIAN CANCER, SUSCEPTIBILITY TO. Identifiers: Orphanet 145, MedGen C2676676, MONDO:0011450, OMIM 604370. Disease mechanism: loss of function.
Hereditary breast ovarian cancer syndrome. Also called: Hereditary breast and ovarian cancer syndrome (HBOC); Breast and ovarian cancer; Hereditary breast and/or ovarian cancer syndrome; Hereditary breast and ovarian cancer syndrome; BRCA1- and BRCA2-Associated Hereditary Breast and Ovarian Cancer; Hereditary breast and ovarian cancer. Identifiers: Orphanet 145, MedGen C0677776, MeSH D061325, MONDO:0003582. Disease mechanism: loss of function.

Submissions (2):

Labcorp Genetics (formerly Invitae), Labcorp
Classification: Pathogenic for Hereditary breast ovarian cancer syndrome. Last evaluated: 2024-08-12. Review status: criteria provided, single submitter. Criteria: Invitae Variant Classification Sherloc (09022015). Collection method: clinical testing. Allele origin: germline.
Comment: This sequence change creates a premature translational stop signal (p.Glu1415Argfs*13) in the BRCA1 gene. It is expected to result in an absent or disrupted protein product. Loss-of-function variants in BRCA1 are known to be pathogenic (PMID: 20104584). This variant is not present in population databases (gnomAD no frequency). This variant has not been reported in the literature in individuals affected with BRCA1-related conditions. For these reasons, this variant has been classified as Pathogenic.

Myriad Genetics, Inc.
Classification: Pathogenic for Breast-ovarian cancer, familial, susceptibility to, 1. Last evaluated: 2023-10-24. Review status: criteria provided, single submitter. Criteria: Myriad Autosomal Dominant, Autosomal Recessive and X-Linked Classification Criteria (2023). Collection method: clinical testing. Allele origin: unknown.
Comment: This variant is considered pathogenic. This variant creates a frameshift predicted to result in premature protein truncation.

Literature cited by the submitters: PubMed 20104584 (cited by Labcorp Genetics (formerly Invitae), Labcorp).

NM_007294.4(BRCA1):c.4242dup (p.Glu1415fs)

Gene: BRCA1 (BRCA1 DNA repair associated; minus strand). Cytogenetic location: 17q21.31.
Variant type: Duplication.
Coding change: c.4242dup on transcript NM_007294.4 (MANE Select); coding-DNA position 4242, one base duplicated (A; older notation c.4242dupA).
Protein change: p.Glu1415fs; shifts the reading frame from glutamic acid 1415.
Molecular consequence: frameshift variant.
Genome position (GRCh38, 1-based): chr17:43,082,519, T duplicated on the plus strand (A on the coding strand, the reverse complement: BRCA1 is on the minus strand). VCF-style (leftmost placement, unchanged base first): chr17-43082518-C-CT. GRCh37 (hg19) VCF-style: chr17-41234535-C-CT.
Other names: c.4029dup, p.Glu1344fs (NM_001407571.1, NM_001407894.1, NM_001407895.1 and 12 more transcripts); c.4242dup, p.Glu1415fs (NM_001407581.1, NM_001407582.1, NM_001407583.1 and 23 more transcripts); c.4239dup, p.Glu1414fs (NM_001407587.1, NM_001407590.1, NM_001407591.1 and 21 more transcripts); c.4236dup, p.Glu1413fs (NM_001407627.1, NM_001407628.1, NM_001407629.1 and 5 more transcripts); c.4230dup, p.Glu1411fs (NM_001407646.1, NM_001407647.1); c.4119dup, p.Glu1374fs (NM_001407648.1, NM_001407678.1, NM_001407679.1 and 13 more transcripts); c.4116dup, p.Glu1373fs (NM_001407649.1, NM_001407681.1, NM_001407682.1 and 12 more transcripts); c.4164dup, p.Glu1389fs (NM_001407653.1, NM_001407654.1, NM_001407655.1 and 2 more transcripts); and 52 more; short protein forms E1119fs, E1246fs, E1287fs, E1288fs, E1302fs, E1303fs, E1304fs, E1325fs.
Identifiers: ClinVar variation 2673991 (VCV002673991.3), dbSNP rs2551920618, ClinGen allele CA2695201339.